The following is an entry in ClinVar:

NM_001040151.2(SCN3B):c.203G>A (p.Gly68Asp)

Gene: SCN3B (sodium voltage-gated channel beta subunit 3; minus strand). Cytogenetic location: 11q24.1.
Variant type: single nucleotide variant.
Coding change: c.203G>A on transcript NM_001040151.2 (MANE Select); coding-DNA position 203, G replaced by A.
Protein change: p.Gly68Asp; replaces glycine 68 with aspartic acid.
Molecular consequence: missense variant.
Genome position (GRCh38, 1-based): chr11:123,645,603, C>T on the plus strand (G>A on the coding strand, the complement: SCN3B is on the minus strand). VCF-style: chr11-123645603-C-T. GRCh37 (hg19) VCF-style: chr11-123516311-C-T.
Other names: c.203G>A, p.Gly68Asp (NM_018400.4); short protein forms G68D.
Identifiers: ClinVar variation 4614927 (VCV004614927.1).

ClinVar aggregate classification (germline): Uncertain significance (1 of 4 stars; one submission).

Conditions:
Cardiovascular phenotype. Identifiers: MedGen CN230736.

gnomAD v4.1: 12 of 1,614,178 alleles (0.00074%); highest among the groups gnomAD compares: Non-Finnish European, 0.00093%; no homozygotes.

Submission:

Ambry Genetics
Classification: Uncertain significance for Cardiovascular phenotype. Last evaluated: 2025-12-01. Review status: criteria provided, single submitter. Criteria: Ambry Variant Classification Scheme 2023. Collection method: clinical testing. Allele origin: germline.
Comment: The p.G68D variant (also known as c.203G>A), located in coding exon 2 of the SCN3B gene, results from a G to A substitution at nucleotide position 203. The glycine at codon 68 is replaced by aspartic acid, an amino acid with similar properties. This amino acid position is conserved. In addition, this alteration is predicted to be tolerated by in silico analysis. Based on the available evidence, the clinical significance of this variant remains unclear.